The following is an entry in ClinVar:

ClinVar aggregate classification (germline): Uncertain significance (1 of 4 stars; one submission).

Submission:

Women's Health and Genetics/Laboratory Corporation of America, LabCorp
Classification: Uncertain significance. Last evaluated: 2023-05-26. Review status: criteria provided, single submitter. Criteria: LabCorp Variant Classification Summary - May 2015. Collection method: clinical testing. Allele origin: germline.
Comment: Variant summary: HBB c.420T>G (p.Asn140Lys) results in a non-conservative amino acid change in the encoded protein sequence. Three of five in-silico tools predict a benign effect of the variant on protein function. The variant was absent in 251376 control chromosomes (gnomAD). The available data on variant occurrences in the general population are insufficient to allow any conclusion about variant significance. c.420T>G (Hb-Hinsdale) has been reported in the literature in individuals affected with mild anemia (examples: Moo-Penn_1989 and Degani_2001). These report(s) do not provide unequivocal conclusions about association of the variant with Hemoglobinopathy. Multiple publications have reported experimental evidence evaluating an impact on protein function, one study reported this variant did not affect HbS gelation (Watowich_1989) and a seperate study showed the variant mildly reduced oxygen affinity (Moo-Penn_1989). The following publications have been ascertained in the context of this evaluation (PMID: 2513289, 2585512, 11317140). No clinical diagnostic laboratories have submitted clinical-significance assessments for this variant to ClinVar after 2014. Based on the evidence outlined above, the variant was classified as uncertain significance.

Literature cited by the submitters: PubMed 2513289; PubMed 11317140; PubMed 2585512.

NM_000518.5(HBB):c.420T>G (p.Asn140Lys)

Genes: HBB (hemoglobin subunit beta; minus strand), LOC107133510 (origin of replication at HBB; plus strand), LOC110006319 (beta-globin gene 3' regulatory region; plus strand). Cytogenetic location: 11p15.4.
Variant type: single nucleotide variant.
Coding change: c.420T>G on transcript NM_000518.5 (MANE Select); coding-DNA position 420, T replaced by G.
Protein change: p.Asn140Lys; replaces asparagine 140 with lysine.
Molecular consequence: missense variant.
Genome position (GRCh38, 1-based): chr11:5,225,622, A>C on the plus strand (T>G on the coding strand, the complement: HBB is on the minus strand). VCF-style: chr11-5225622-A-C. GRCh37 (hg19) VCF-style: chr11-5246852-A-C.
Other names: short protein forms N140K.
Identifiers: ClinVar variation 2506213 (VCV002506213.1), dbSNP rs34240441, ClinGen allele CA379273655.